The following is an entry in ClinVar:

NM_014141.6(CNTNAP2):c.1633G>A (p.Ala545Thr)

Gene: CNTNAP2 (contactin associated protein 2; plus strand). Cytogenetic location: 7q35.
Variant type: single nucleotide variant.
Coding change: c.1633G>A on transcript NM_014141.6 (MANE Select); coding-DNA position 1633, G replaced by A.
Protein change: p.Ala545Thr; replaces alanine 545 with threonine.
Molecular consequence: missense variant.
Genome position (GRCh38, 1-based): chr7:147,395,743, G>A. VCF-style: chr7-147395743-G-A. GRCh37 (hg19) VCF-style: chr7-147092835-G-A.
Other names: short protein forms A545T.
Identifiers: ClinVar variation 1419906 (VCV001419906.7), dbSNP rs747922335, ClinGen allele CA4546128.

ClinVar aggregate classification (germline): Uncertain significance. Review status: criteria provided, multiple submitters, no conflicts (2 of 4 stars). 3 submissions from 3 submitters: Uncertain significance (3). Last evaluated 2023-10-03.

Conditions:
Cortical dysplasia-focal epilepsy syndrome (PTHSL1). Also called: Pitt-Hopkins-like syndrome 1. Identifiers: Orphanet 163681, Orphanet 221150, MedGen C2750246, MONDO:0012400, OMIM 610042.

Allele frequency attached by ClinVar (database versions not stated): gnomAD 0.00001; TOPMed 0.00004; ExAC 0.00005; gnomAD exomes 0.00005 and 0.00006.
gnomAD v4.1: 71 of 1,612,252 alleles (0.0044%); highest among the groups gnomAD compares: South Asian, 0.0077%; no homozygotes.

Submissions (3):

Labcorp Genetics (formerly Invitae), Labcorp
Classification: Uncertain significance for Cortical dysplasia-focal epilepsy syndrome. Last evaluated: 2023-10-03. Review status: criteria provided, single submitter. Criteria: Invitae Variant Classification Sherloc (09022015). Collection method: clinical testing. Allele origin: germline.
Comment: This sequence change replaces alanine, which is neutral and non-polar, with threonine, which is neutral and polar, at codon 545 of the CNTNAP2 protein (p.Ala545Thr). This variant is present in population databases (rs747922335, gnomAD 0.01%). This variant has not been reported in the literature in individuals affected with CNTNAP2-related conditions. ClinVar contains an entry for this variant (Variation ID: 1419906). An algorithm developed to predict the effect of missense changes on protein structure and function (PolyPhen-2) suggests that this variant¬†is likely to be tolerated. In summary, the available evidence is currently insufficient to determine the role of this variant in disease. Therefore, it has been classified as a Variant of Uncertain Significance.

GeneDx
Classification: Uncertain significance. Last evaluated: 2022-12-05. Review status: criteria provided, single submitter. Criteria: GeneDx Variant Classification Process June 2021. Collection method: clinical testing. Allele origin: germline. Affected: yes.
Comment: Not observed at significant frequency in large population cohorts (gnomAD); In silico analysis supports that this missense variant does not alter protein structure/function; Has not been previously published as pathogenic or benign to our knowledge

Revvity Omics, Revvity
Classification: Uncertain significance for Cortical dysplasia-focal epilepsy syndrome. Last evaluated: 2021-01-28. Review status: criteria provided, single submitter. Criteria: ACMG Guidelines, 2015. Collection method: clinical testing. Allele origin: germline.